The following is an entry in ClinVar:

NM_002519.3(NPAT):c.2542G>A (p.Gly848Arg)

Gene: NPAT (nuclear protein, coactivator of histone transcription; minus strand). Cytogenetic location: 11q22.3.
Variant type: single nucleotide variant.
Coding change: c.2542G>A on transcript NM_002519.3 (MANE Select); coding-DNA position 2542, G replaced by A.
Protein change: p.Gly848Arg; replaces glycine 848 with arginine.
Molecular consequence: missense variant.
Genome position (GRCh38, 1-based): chr11:108,172,442, C>T on the plus strand (G>A on the coding strand, the complement: NPAT is on the minus strand). VCF-style: chr11-108172442-C-T. GRCh37 (hg19) VCF-style: chr11-108043169-C-T.
Other names: c.2542G>A, p.Gly848Arg (NM_001321307.1); short protein forms G848R.
Identifiers: ClinVar variation 2496693 (VCV002496693.2), dbSNP rs2077960647, ClinGen allele CA382512758.
Genomic context (GRCh38, chr11:108,172,442, plus strand): 5'-TCAGAATGTTATTTGAATTGCCAAAAGCTGTGCTTGTGGCTGGCATCAACTGTATATATC[C>T]TCCATCCTTGGAAACACATGGTGTAACATTAGCTGAAAAAGCAATGCCATCTTCATTCTG-3'
Protein context (NP_002510.2, residues 838-858): NVTPCVSKDG[Gly848Arg]YIQLMPATST

ClinVar aggregate classification (germline): Uncertain significance (1 of 4 stars; one submission).

Allele frequency attached by ClinVar (database versions not stated): gnomAD exomes below 0.00001; TOPMed below 0.00001; gnomAD 0.00001.

Submission:

Ambry Genetics
Classification: Uncertain significance. Last evaluated: 2023-01-30. Review status: criteria provided, single submitter. Criteria: Ambry Variant Classification Scheme 2023. Collection method: clinical testing. Allele origin: germline.
Comment: The p.G848R variant (also known as c.2542G>A), located in coding exon 13 of the NPAT gene, results from a G to A substitution at nucleotide position 2542. The glycine at codon 848 is replaced by arginine, an amino acid with dissimilar properties. This amino acid position is conserved. In addition, the in silico prediction for this alteration is inconclusive. Since supporting evidence is limited at this time, the clinical significance of this alteration remains unclear.